The following is an entry in ClinVar:

ClinVar aggregate classification (germline): Benign (0 of 4 stars; one submission).

Conditions:
ALPK2-related disorder. Also called: ALPK2-related condition.

Allele frequency attached by ClinVar (database versions not stated): 1000 Genomes Project 0.40435; 1000 Genomes Project 30x 0.40740; TOPMed 0.48456; ESP Exome Variant Server 0.50592.
gnomAD v4.1: 840,736 of 1,613,854 alleles (52%); highest among the groups gnomAD compares: Non-Finnish European, 56%; 223,714 homozygotes.

Submission:

PreventionGenetics, part of Exact Sciences
Classification: Benign for ALPK2-related condition. Last evaluated: 2024-04-11. Review status: no assertion criteria provided. Collection method: clinical testing. Allele origin: germline.
Comment: This variant is classified as benign based on ACMG/AMP sequence variant interpretation guidelines (Richards et al. 2015 PMID: 25741868, with internal and published modifications).

NM_052947.4(ALPK2):c.2157T>G (p.His719Gln)

Gene: ALPK2 (alpha kinase 2; minus strand). Cytogenetic location: 18q21.31.
Variant type: single nucleotide variant.
Coding change: c.2157T>G on transcript NM_052947.4 (MANE Select); coding-DNA position 2157, T replaced by G.
Protein change: p.His719Gln; replaces histidine 719 with glutamine.
Molecular consequence: missense variant.
Genome position (GRCh38, 1-based): chr18:58,538,030, A>C on the plus strand (T>G on the coding strand, the complement: ALPK2 is on the minus strand). VCF-style: chr18-58538030-A-C. GRCh37 (hg19) VCF-style: chr18-56205262-A-C.
Other names: short protein forms H719Q.
Identifiers: ClinVar variation 3059988 (VCV003059988.2), dbSNP rs12103986, ClinGen allele CA8977114.